The following is an entry in ClinVar:

NM_000359.3(TGM1):c.832G>A (p.Gly278Arg)

Gene: TGM1 (transglutaminase 1; minus strand). Cytogenetic location: 14q12.
Variant type: single nucleotide variant.
Coding change: c.832G>A on transcript NM_000359.3 (MANE Select); coding-DNA position 832, G replaced by A.
Protein change: p.Gly278Arg; replaces glycine 278 with arginine.
Molecular consequence: missense variant.
Genome position (GRCh38, 1-based): chr14:24,259,984, C>T on the plus strand (G>A on the coding strand, the complement: TGM1 is on the minus strand). VCF-style: chr14-24259984-C-T. GRCh37 (hg19) VCF-style: chr14-24729190-C-T.
Other names: short protein forms G278R.
Identifiers: ClinVar variation 12492 (VCV000012492.25), dbSNP rs121918725, ClinGen allele CA256469.
Genomic context (GRCh38, chr14:24,259,984, plus strand): 5'-GCCAGCCGCACCATACCTGGCCGTAGTTCCAGGTCCGCTCACCAATCTGTGCTTCGGTCC[C>T]GTAGTAAATTCTCCCAGACTCATTAAGAACATACTCCTGCCGCCAATCCTCATGGTCCAC-3'
Protein context (NP_000350.1, residues 268-288): VLNESGRIYY[Gly278Arg]TEAQIGERTW

ClinVar aggregate classification (germline): Pathogenic/Likely pathogenic. Review status: criteria provided, multiple submitters, no conflicts (2 of 4 stars). 11 submissions from 11 submitters: Pathogenic (8); Likely pathogenic (1). 2 of the submissions do not count toward it. Last evaluated 2025-03-03.

Conditions:
TGM1-related disorder. Also called: TGM1-related condition.
Lamellar ichthyosis. Identifiers: Orphanet 313, MedGen C5848247, MONDO:0017778.
Autosomal recessive congenital ichthyosis 1 (LI1). Also called: ICHTHYOSIS CONGENITA; ICHTHYOSIS CONGENITA II; LAMELLAR EXFOLIATION OF NEWBORN; ICHTHYOSIS, CONGENITAL, AUTOSOMAL RECESSIVE 1, WITH BATHING SUIT DISTRIBUTION; ICHTHYOSIS, CONGENITAL, AUTOSOMAL RECESSIVE 1, WITH OR WITHOUT BATHING SUIT DISTRIBUTION; COLLODION FETUS. Identifiers: MedGen C4551630, MONDO:0009441, OMIM 242300.

Allele frequency attached by ClinVar (database versions not stated): ExAC 0.00002; gnomAD 0.00002; gnomAD exomes 0.00003; TOPMed 0.00002.
gnomAD v4.1: 26 of 1,614,064 alleles (0.0016%); highest among the groups gnomAD compares: Admixed American, 0.0033%; no homozygotes.

Submissions (11):

Natera, Inc.
Classification: Pathogenic for Autosomal recessive congenital ichthyosis type 1. Last evaluated: 2025-03-03. Review status: criteria provided, single submitter. Criteria: Natera Variant Classification Schema (03/2026). Collection method: clinical testing. Allele origin: germline.
Comment: The c.832G>A variant in TGM1 is a missense variant predicted to cause substitution of glycine to arginine at amino acid 278. This variant is rare in the general population with a frequency below the threshold expected for the associated phenotype(s). This variant has been observed in one or more individuals affected with the associated recessive disease, as either homozygous or compound heterozygous with a second variant (PMID: 28403434). Given the available evidence, this variant is classified as Pathogenic.

Labcorp Genetics (formerly Invitae), Labcorp
Classification: Pathogenic. Last evaluated: 2024-11-05. Review status: criteria provided, single submitter. Criteria: Invitae Variant Classification Sherloc (09022015). Collection method: clinical testing. Allele origin: germline.
Comment: This sequence change replaces glycine, which is neutral and non-polar, with arginine, which is basic and polar, at codon 278 of the TGM1 protein (p.Gly278Arg). This variant is present in population databases (rs121918725, gnomAD 0.006%). This missense change has been observed in individuals with TGM1-related conditions (PMID: 22311480, 23689228, 28403434). It has also been observed to segregate with disease in related individuals. ClinVar contains an entry for this variant (Variation ID: 12492). Invitae Evidence Modeling of protein sequence and biophysical properties (such as structural, functional, and spatial information, amino acid conservation, physicochemical variation, residue mobility, and thermodynamic stability) indicates that this missense variant is expected to disrupt TGM1 protein function with a positive predictive value of 95%. Algorithms developed to predict the effect of sequence changes on RNA splicing suggest that this variant may create or strengthen a splice site. For these reasons, this variant has been classified as Pathogenic.

Department of Genetics, Sultan Qaboos University Hospital
Classification: Pathogenic for Autosomal recessive congenital ichthyosis 1. Last evaluated: 2024-06-12. Review status: criteria provided, single submitter. Criteria: ACMG Guidelines, 2015. Collection method: curation. Allele origin: unknown. Affected: yes.

Fulgent Genetics
Classification: Pathogenic for Autosomal recessive congenital ichthyosis 1. Last evaluated: 2024-05-23. Review status: criteria provided, single submitter. Criteria: ACMG Guidelines, 2015. Collection method: clinical testing. Allele origin: germline.

Women's Health and Genetics/Laboratory Corporation of America, LabCorp
Classification: Pathogenic for Lamellar ichthyosis. Last evaluated: 2024-05-23. Review status: criteria provided, single submitter. Criteria: LabCorp Variant Classification Summary - May 2015. Collection method: clinical testing. Allele origin: germline.
Comment: Variant summary: TGM1 c.832G>A (p.Gly278Arg) results in a non-conservative amino acid change in the encoded protein sequence. Five of five in-silico tools predict a damaging effect of the variant on protein function. The variant allele was found at a frequency of 2.8e-05 in 251426 control chromosomes. c.832G>A has been reported in the literature in individuals affected with Congenital Ichthyosis in both the homozygous and compound heterozygous state (e.g. Marukian_2017, Raghunath_2003, Youssefian_2019). These data indicate that the variant is likely to be associated with disease. At least one publication reports experimental evidence evaluating an impact on protein function. The most pronounced variant effect results in <10% of normal transglutaminase 1 activity in vitro (Raghunath_2003). The following publications have been ascertained in the context of this evaluation (PMID: 28403434, 12542526, 30578701). ClinVar contains an entry for this variant (Variation ID: 12492). Based on the evidence outlined above, the variant was classified as pathogenic.

Laboratory of Medical Genetics, National & Kapodistrian University of Athens
Classification: Pathogenic for Autosomal recessive congenital ichthyosis 1. Last evaluated: 2024-02-01. Review status: criteria provided, single submitter. Criteria: ACMG Guidelines, 2015. Collection method: curation. Allele origin: germline. Affected: no.

GeneDx
Classification: Pathogenic. Last evaluated: 2022-11-21. Review status: criteria provided, single submitter. Criteria: GeneDx Variant Classification Process June 2021. Collection method: clinical testing. Allele origin: germline. Affected: yes.
Comment: Biochemical assays of transglutaminase 1 with the amino acid substitution demonstrated markedly reduced activity of the epidermal transglutaminase 1 protein (Raghunath et al., 2003); This variant is associated with the following publications: (PMID: 12542526, 11298529, 22311480, 23689228, 30693114, 28403434)

Blueprint Genetics
Classification: Pathogenic for TGM1-related disorders. Last evaluated: 2021-11-09. Review status: criteria provided, single submitter. Criteria: ACMG Guidelines, 2015. Collection method: clinical testing. Allele origin: germline. Affected: yes. Observed: 2 variant alleles.

Genome-Nilou Lab
Classification: Likely pathogenic for Autosomal recessive congenital ichthyosis 1. Review status: criteria provided, single submitter. Criteria: ACMG Guidelines, 2015. Collection method: clinical testing. Allele origin: germline.

Counsyl
Classification: Likely pathogenic for Autosomal recessive congenital ichthyosis 1. Last evaluated: 2017-06-02. Review status: no assertion criteria provided. Collection method: clinical testing. Allele origin: unknown. Not counted in ClinVar's aggregate classification.

OMIM
Classification: Pathogenic for ICHTHYOSIS, CONGENITAL, AUTOSOMAL RECESSIVE 1. Last evaluated: 2003-02-01. Review status: no assertion criteria provided. Collection method: literature only. Allele origin: germline. Not counted in ClinVar's aggregate classification.

Literature cited by the submitters: PubMed 28403434 (cited by 3 submitters); PubMed 22311480 (cited by Labcorp Genetics (formerly Invitae), Labcorp and Counsyl); PubMed 23689228 (cited by Labcorp Genetics (formerly Invitae), Labcorp and Counsyl); PubMed 30578701 (cited by Women's Health and Genetics/Laboratory Corporation of America, LabCorp); PubMed 12542526 (cited by 3 submitters); PubMed 11298529 (cited by Counsyl and OMIM).